The following is an entry in ClinVar:

NM_001129.5(AEBP1):c.2589C>T (p.Tyr863=)

Gene: AEBP1 (AE binding protein 1; plus strand). Cytogenetic location: 7p13.
Variant type: single nucleotide variant.
Coding change: c.2589C>T on transcript NM_001129.5 (MANE Select); coding-DNA position 2589, C replaced by T.
Protein change: p.Tyr863=; no amino-acid change (tyrosine 863 retained).
Molecular consequence: synonymous variant.
Genome position (GRCh38, 1-based): chr7:44,113,010, C>T. VCF-style: chr7-44113010-C-T. GRCh37 (hg19) VCF-style: chr7-44152609-C-T.
Other names: p.Tyr863=.
Identifiers: ClinVar variation 1596474 (VCV001596474.40), dbSNP rs150005580, ClinGen allele CA4238258.

ClinVar aggregate classification (germline): Likely benign. Review status: criteria provided, multiple submitters, no conflicts (2 of 4 stars). 4 submissions from 4 submitters: Likely benign (4). Last evaluated 2025-12-15.

Allele frequency attached by ClinVar (database versions not stated): gnomAD exomes 0.00018 and 0.00036; ExAC 0.00020; TOPMed 0.00025; gnomAD 0.00028 and 0.00030; ESP Exome Variant Server 0.00054.
gnomAD v4.1: 559 of 1,613,962 alleles (0.035%); highest among the groups gnomAD compares: Non-Finnish European, 0.046%; no homozygotes.

Submissions (4):

Labcorp Genetics (formerly Invitae), Labcorp
Classification: Likely benign. Last evaluated: 2025-12-15. Review status: criteria provided, single submitter. Criteria: Invitae Variant Classification Sherloc (09022015). Collection method: clinical testing. Allele origin: germline.

CeGaT Center for Human Genetics Tuebingen
Classification: Likely benign. Last evaluated: 2025-06-01. Review status: criteria provided, single submitter. Criteria: CeGaT Center For Human Genetics Tuebingen Variant Classification Criteria Version 2. Collection method: clinical testing. Allele origin: germline. Affected: yes. Observed: 3 variant alleles.
Comment: AEBP1: BP4, BP7

Mayo Clinic Laboratories, Mayo Clinic
Classification: Likely benign. Last evaluated: 2025-03-04. Review status: criteria provided, single submitter. Criteria: ACMG Guidelines, 2015. Collection method: clinical testing. Allele origin: germline. Observed: 4 variant alleles.
Comment: BP4, BP7

Women's Health and Genetics/Laboratory Corporation of America, LabCorp
Classification: Likely benign. Last evaluated: 2025-01-03. Review status: criteria provided, single submitter. Criteria: LabCorp Variant Classification Summary - May 2015. Collection method: clinical testing. Allele origin: germline.